The following is an entry in ClinVar:

NM_004284.6(CHD1L):c.1988G>A (p.Arg663Lys)

Gene: CHD1L (chromodomain helicase DNA binding protein 1 like; plus strand). Cytogenetic location: 1q21.1.
Variant type: single nucleotide variant.
Coding change: c.1988G>A on transcript NM_004284.6 (MANE Select); coding-DNA position 1988, G replaced by A.
Protein change: p.Arg663Lys; replaces arginine 663 with lysine.
Molecular consequence: missense variant. On other transcripts: non-coding transcript variant (16).
Genome position (GRCh38, 1-based): chr1:147,285,457, G>A. VCF-style: chr1-147285457-G-A. GRCh37 (hg19) VCF-style: chr1-146757134-G-A.
Other names: c.1688G>A, p.Arg563Lys (NM_001256336.3); c.1145G>A, p.Arg382Lys (NM_001256337.3, NM_001348456.2, NM_001348457.2 and 9 more transcripts); c.1376G>A, p.Arg459Lys (NM_001256338.3); c.1772G>A, p.Arg591Lys (NM_001348451.2, NM_001348452.2); c.1649G>A, p.Arg550Lys (NM_001348453.2, NM_024568.4); c.1532G>A, p.Arg511Lys (NM_001348454.2); c.1499G>A, p.Arg500Lys (NM_001348455.2); short protein forms R382K, R459K, R500K, R511K, R550K, R563K, R591K, R663K.
Identifiers: ClinVar variation 3044447 (VCV003044447.2), dbSNP rs138412639, ClinGen allele CA1063907.

ClinVar aggregate classification (germline): Likely benign (0 of 4 stars; one submission).

Conditions:
CHD1L-related disorder. Also called: CHD1L-related condition.

Allele frequency attached by ClinVar (database versions not stated): gnomAD exomes 0.00006; 1000 Genomes Project 30x 0.00016; ExAC 0.00017; 1000 Genomes Project 0.00020; gnomAD 0.00060; TOPMed 0.00080; ESP Exome Variant Server 0.00115.
gnomAD v4.1: 182 of 1,612,884 alleles (0.011%); highest among the groups gnomAD compares: African/African-American, 0.23%; no homozygotes.

Submission:

PreventionGenetics, part of Exact Sciences
Classification: Likely benign for CHD1L-related condition. Last evaluated: 2020-03-20. Review status: no assertion criteria provided. Collection method: clinical testing. Allele origin: germline.
Comment: This variant is classified as likely benign based on ACMG/AMP sequence variant interpretation guidelines (Richards et al. 2015 PMID: 25741868, with internal and published modifications).